The following is an entry in ClinVar:

NM_002907.4(RECQL):c.932G>C (p.Arg311Thr)

Gene: RECQL (RecQ like helicase; minus strand). Cytogenetic location: 12p12.1.
Variant type: single nucleotide variant.
Coding change: c.932G>C on transcript NM_002907.4 (MANE Select); coding-DNA position 932, G replaced by C.
Protein change: p.Arg311Thr; replaces arginine 311 with threonine.
Molecular consequence: missense variant.
Genome position (GRCh38, 1-based): chr12:21,476,928, C>G on the plus strand (G>C on the coding strand, the complement: RECQL is on the minus strand). VCF-style: chr12-21476928-C-G. GRCh37 (hg19) VCF-style: chr12-21629862-C-G.
Other names: c.932G>C, p.Arg311Thr (NM_032941.3); short protein forms R311T.
Identifiers: ClinVar variation 3431756 (VCV003431756.1).

ClinVar aggregate classification (germline): Uncertain significance (1 of 4 stars; one submission).

Submission:

Ambry Genetics
Classification: Uncertain significance. Last evaluated: 2024-11-08. Review status: criteria provided, single submitter. Criteria: Ambry Variant Classification Scheme 2023. Collection method: clinical testing. Allele origin: germline.
Comment: The p.R311T variant (also known as c.932G>C), located in coding exon 7 of the RECQL gene, results from a G to C substitution at nucleotide position 932. The arginine at codon 311 is replaced by threonine, an amino acid with similar properties. This amino acid position is conserved. In addition, the in silico prediction for this alteration is inconclusive. Based on the available evidence, the clinical significance of this variant remains unclear.